The following is an entry in ClinVar:

ClinVar aggregate classification (germline): Likely benign. Review status: criteria provided, multiple submitters, no conflicts (2 of 4 stars). 2 submissions from 2 submitters: Likely benign (2). Last evaluated 2025-03-10.

Conditions:
Supravalvar aortic stenosis (SVAS). Also called: Supravalvar aortic stenosis, Eisenberg type. Identifiers: Orphanet 3193, MedGen C0003499, MONDO:0008504, OMIM 185500, HP:0004381.

Allele frequency attached by ClinVar (database versions not stated): ExAC 0.00001; gnomAD 0.00001; gnomAD exomes 0.00002.
gnomAD v4.1: 35 of 1,608,988 alleles (0.0022%); highest among the groups gnomAD compares: South Asian, 0.017%; no homozygotes.

Submissions (2):

Labcorp Genetics (formerly Invitae), Labcorp
Classification: Likely benign for Supravalvar aortic stenosis. Last evaluated: 2025-03-10. Review status: criteria provided, single submitter. Criteria: Invitae Variant Classification Sherloc (09022015). Collection method: clinical testing. Allele origin: germline.

GeneDx
Classification: Likely benign. Last evaluated: 2018-04-17. Review status: criteria provided, single submitter. Criteria: GeneDx Variant Classification (06012015). Collection method: clinical testing. Allele origin: germline. Affected: yes.
Comment: This variant is considered likely benign or benign based on one or more of the following criteria: it is a conservative change, it occurs at a poorly conserved position in the protein, it is predicted to be benign by multiple in silico algorithms, and/or has population frequency not consistent with disease.

NM_000501.4(ELN):c.1818C>T (p.Leu606=)

Gene: ELN (elastin; plus strand). Cytogenetic location: 7q11.23.
Variant type: single nucleotide variant.
Coding change: c.1818C>T on transcript NM_000501.4 (MANE Select); coding-DNA position 1818, C replaced by T.
Protein change: p.Leu606=; no amino-acid change (leucine 606 retained).
Molecular consequence: synonymous variant.
Genome position (GRCh38, 1-based): chr7:74,063,184, C>T. VCF-style: chr7-74063184-C-T. GRCh37 (hg19) VCF-style: chr7-73477514-C-T.
Other names: c.1731C>T, p.Leu577= (NM_001081752.3); c.1776C>T, p.Leu592= (NM_001081753.3); c.1833C>T, p.Leu611= (NM_001081754.3); c.1761C>T, p.Leu587= (NM_001081755.3); c.1818C>T, p.Leu606= (NM_001278912.2); c.1575C>T, p.Leu525= (NM_001278913.2); c.1746C>T, p.Leu582= (NM_001278914.2); c.1836C>T, p.Leu612= (NM_001278915.2); and 4 more.
Identifiers: ClinVar variation 682012 (VCV000682012.3), dbSNP rs782335749, ClinGen allele CA4293240.